The following is an entry in ClinVar:

ClinVar aggregate classification (germline): Uncertain significance (1 of 4 stars; one submission).

Conditions:
Inborn genetic diseases. Identifiers: MedGen C0950123, MeSH D030342.

Allele frequency attached by ClinVar (database versions not stated): gnomAD exomes below 0.00001; TOPMed 0.00001.

Submission:

Ambry Genetics
Classification: Uncertain significance for Inborn genetic diseases. Last evaluated: 2023-12-08. Review status: criteria provided, single submitter. Criteria: Ambry Variant Classification Scheme 2023. Collection method: clinical testing. Allele origin: germline.
Comment: The p.I2111V variant (also known as c.6331A>G), located in coding exon 43 of the LRRK2 gene, results from an A to G substitution at nucleotide position 6331. The isoleucine at codon 2111 is replaced by valine, an amino acid with highly similar properties. This amino acid position is conserved. In addition, this alteration is predicted to be tolerated by in silico analysis. Since supporting evidence is limited at this time, the clinical significance of this alteration remains unclear.

NM_198578.4(LRRK2):c.6331A>G (p.Ile2111Val)

Gene: LRRK2 (leucine rich repeat kinase 2; plus strand). Cytogenetic location: 12q12.
Variant type: single nucleotide variant.
Coding change: c.6331A>G on transcript NM_198578.4 (MANE Select); coding-DNA position 6331, A replaced by G.
Protein change: p.Ile2111Val; replaces isoleucine 2111 with valine.
Molecular consequence: missense variant.
Genome position (GRCh38, 1-based): chr12:40,348,459, A>G. VCF-style: chr12-40348459-A-G. GRCh37 (hg19) VCF-style: chr12-40742261-A-G.
Other names: short protein forms I2111V.
Identifiers: ClinVar variation 1752908 (VCV001752908.2), dbSNP rs1946260709, ClinGen allele CA384406138.
Genomic context (GRCh38, chr12:40,348,459, plus strand): 5'-AATGTTTTAGATCCAGTTAAAGAATATGGTTGTGCCCCATGGCCTATGGTTGAGAAATTA[A>G]TTAAACAGTGTTTGAAAGAAAATCCTCAAGAAAGGCCTACTTCTGCCCAGGTATTCTTAA-3'
Protein context (NP_940980.4, residues 2101-2121): CAPWPMVEKL[Ile2111Val]KQCLKENPQE